The following is an entry in ClinVar:

NM_000166.6(GJB1):c.186C>A (p.Ser62Arg)

Gene: GJB1 (gap junction protein beta 1; plus strand). Cytogenetic location: Xq13.1.
Variant type: single nucleotide variant.
Coding change: c.186C>A on transcript NM_000166.6 (MANE Select); coding-DNA position 186, C replaced by A.
Protein change: p.Ser62Arg; replaces serine 62 with arginine.
Molecular consequence: missense variant.
Genome position (GRCh38, 1-based): chrX:71,223,893, C>A. VCF-style: chrX-71223893-C-A. GRCh37 (hg19) VCF-style: chrX-70443743-C-A.
Other names: c.186C>A, p.Ser62Arg (NM_001097642.3); short protein forms S62R.
Identifiers: ClinVar variation 2030048 (VCV002030048.4), dbSNP rs1602348895, ClinGen allele CA413501343.

ClinVar aggregate classification (germline): Pathogenic (1 of 4 stars; one submission).

Conditions:
Charcot-Marie-Tooth Neuropathy X. Identifiers: MedGen CN118851.

Submission:

Labcorp Genetics (formerly Invitae), Labcorp
Classification: Pathogenic for Charcot-Marie-Tooth Neuropathy X. Last evaluated: 2023-06-29. Review status: criteria provided, single submitter. Criteria: Invitae Variant Classification Sherloc (09022015). Collection method: clinical testing. Allele origin: germline.
Comment: This sequence change replaces serine, which is neutral and polar, with arginine, which is basic and polar, at codon 62 of the GJB1 protein (p.Ser62Arg). This variant is not present in population databases (gnomAD no frequency). This missense change has been observed in individual(s) with Charcot-Marie-Tooth disease (PMID: 20942588). It has also been observed to segregate with disease in related individuals. ClinVar contains an entry for this variant (Variation ID: 2030048). Advanced modeling of protein sequence and biophysical properties (such as structural, functional, and spatial information, amino acid conservation, physicochemical variation, residue mobility, and thermodynamic stability) performed at Invitae indicates that this missense variant is not expected to disrupt GJB1 protein function. For these reasons, this variant has been classified as Pathogenic.

Literature cited by the submitters: PubMed 20942588.